The following is an entry in ClinVar:

ClinVar aggregate classification (germline): Benign. Review status: criteria provided, multiple submitters, no conflicts (2 of 4 stars). 9 submissions from 9 submitters: Benign (8). 1 of the submissions does not count toward it. Last evaluated 2026-02-04.

Conditions:
Usher syndrome type 2C. Also called: Usher syndrome, type 2B; USHER SYNDROME, TYPE IIC. Identifiers: Orphanet 231178, Orphanet 886, MedGen C2931213, MONDO:0011558, OMIM 605472.
Febrile seizures, familial, 4 (FEB4). Also called: CONVULSIONS, FAMILIAL FEBRILE, 4. Identifiers: MedGen C1858493, MONDO:0011443, OMIM 604352.

Allele frequency attached by ClinVar (database versions not stated): 1000 Genomes Project 30x 0.09166; 1000 Genomes Project 0.09225; TOPMed 0.13761; gnomAD 0.15392 and 0.15645; gnomAD exomes 0.16250 and 0.20236; ESP Exome Variant Server 0.16515; ExAC 0.17239.
gnomAD v4.1: 317,323 of 1,610,940 alleles (20%); highest among the groups gnomAD compares: Non-Finnish European, 22%; 34,968 homozygotes.

Submissions (9):

Labcorp Genetics (formerly Invitae), Labcorp
Classification: Benign. Last evaluated: 2026-02-04. Review status: criteria provided, single submitter. Criteria: Invitae Variant Classification Sherloc (09022015). Collection method: clinical testing. Allele origin: germline.

Fulgent Genetics
Classification: Benign for Febrile seizures, familial, 4; Usher syndrome type 2C. Last evaluated: 2021-12-23. Review status: criteria provided, single submitter. Criteria: ACMG Guidelines, 2015. Collection method: clinical testing. Allele origin: unknown.

Genome-Nilou Lab
Classification: Benign for Usher syndrome type 2C. Last evaluated: 2021-08-10. Review status: criteria provided, single submitter. Criteria: ACMG Guidelines, 2015. Collection method: clinical testing. Allele origin: germline. Affected: no.

Mayo Clinic Laboratories, Mayo Clinic
Classification: Benign. Last evaluated: 2020-10-20. Review status: criteria provided, single submitter. Criteria: ACMG Guidelines, 2015. Collection method: clinical testing. Allele origin: germline. Observed: 57 variant alleles.

Illumina Laboratory Services, Illumina
Classification: Benign for Usher syndrome type 2C. Last evaluated: 2018-01-13. Review status: criteria provided, single submitter. Criteria: ICSL Variant Classification Criteria 13 December 2019. Collection method: clinical testing. Allele origin: germline.
Comment: This variant was observed in the ICSL laboratory as part of a predisposition screen in an ostensibly healthy population. It had not been previously curated by ICSL or reported in the Human Gene Mutation Database (HGMD: prior to June 1st, 2018), and was therefore a candidate for classification through an automated scoring system. Utilizing variant allele frequency, disease prevalence and penetrance estimates, and inheritance mode, an automated score was calculated to assess if this variant is too frequent to cause the disease. Based on the score and internal cut-off values, a variant classified as benign is not then subjected to further curation. The score for this variant resulted in a classification of benign for this disease.

PreventionGenetics, part of Exact Sciences
Classification: Benign. Last evaluated: 2016-02-26. Review status: criteria provided, single submitter. Criteria: ACMG Guidelines, 2015. Collection method: clinical testing. Allele origin: germline.

GeneDx
Classification: Benign. Last evaluated: 2015-03-03. Review status: criteria provided, single submitter. Criteria: GeneDx Variant Classification Process June 2021. Collection method: clinical testing. Allele origin: germline. Affected: yes.

Laboratory for Molecular Medicine, Mass General Brigham Personalized Medicine
Classification: Benign. Last evaluated: 2010-03-23. Review status: criteria provided, single submitter. Criteria: LMM Criteria. Collection method: clinical testing. Allele origin: germline. Observed: 549 variant alleles.

Genetic Services Laboratory, University of Chicago
Classification: Likely benign. Review status: no assertion criteria provided. Collection method: clinical testing. Allele origin: germline. Inheritance: Autosomal dominant inheritance. Not counted in ClinVar's aggregate classification.
Comment: Likely benign based on allele frequency in 1000 Genomes Project or ESP global frequency and its presence in a patient with a rare or unrelated disease phenotype. NOT Sanger confirmed

NM_032119.4(ADGRV1):c.13599A>G (p.Thr4533=)

Gene: ADGRV1 (adhesion G protein-coupled receptor V1; plus strand). Cytogenetic location: 5q14.3.
Variant type: single nucleotide variant.
Coding change: c.13599A>G on transcript NM_032119.4 (MANE Select); coding-DNA position 13599, A replaced by G.
Protein change: p.Thr4533=; no amino-acid change (threonine 4533 retained).
Molecular consequence: synonymous variant. On other transcripts: non-coding transcript variant (1).
Genome position (GRCh38, 1-based): chr5:90,784,003, A>G. VCF-style: chr5-90784003-A-G. GRCh37 (hg19) VCF-style: chr5-90079820-A-G.
Other names: p.Thr4533=.
Identifiers: ClinVar variation 46268 (VCV000046268.27), dbSNP rs17554631, ClinGen allele CA138026.